The following is an entry in ClinVar:

ClinVar aggregate classification (germline): Uncertain significance (1 of 4 stars; one submission).

Conditions:
Eichsfeld type congenital muscular dystrophy (CMYO3). Also called: MYOPATHY, SEPN1-RELATED; Rigid spine muscular dystrophy 1; SELENON-related myopathy; Congenital myopathy 3 with rigid spine. Identifiers: MedGen C0410180, MONDO:0100100, OMIM 602771.

Allele frequency attached by ClinVar (database versions not stated): ExAC 0.00004; gnomAD exomes 0.00004; TOPMed 0.00011; 1000 Genomes Project 30x 0.00016; ESP Exome Variant Server 0.00016; 1000 Genomes Project 0.00020.
gnomAD v4.1: 32 of 1,613,398 alleles (0.002%); highest among the groups gnomAD compares: African/African-American, 0.037%; no homozygotes.

Submission:

Labcorp Genetics (formerly Invitae), Labcorp
Classification: Uncertain significance for Eichsfeld type congenital muscular dystrophy. Last evaluated: 2022-08-21. Review status: criteria provided, single submitter. Criteria: Invitae Variant Classification Sherloc (09022015). Collection method: clinical testing. Allele origin: germline.
Comment: This variant is present in population databases (rs374687219, gnomAD 0.05%). In summary, the available evidence is currently insufficient to determine the role of this variant in disease. Therefore, it has been classified as a Variant of Uncertain Significance. Algorithms developed to predict the effect of missense changes on protein structure and function are either unavailable or do not agree on the potential impact of this missense change (SIFT: "Tolerated"; PolyPhen-2: "Possibly Damaging"; Align-GVGD: "Class C0"). ClinVar contains an entry for this variant (Variation ID: 942173). This variant has not been reported in the literature in individuals affected with SELENON-related conditions. This sequence change replaces alanine, which is neutral and non-polar, with serine, which is neutral and polar, at codon 455 of the SELENON protein (p.Ala455Ser).

NM_206926.2(SELENON):c.1261G>T (p.Ala421Ser)

Gene: SELENON (selenoprotein N; plus strand). Cytogenetic location: 1p36.11.
Variant type: single nucleotide variant.
Coding change: c.1261G>T on transcript NM_206926.2 (MANE Select); coding-DNA position 1261, G replaced by T.
Protein change: p.Ala421Ser; replaces alanine 421 with serine.
Molecular consequence: missense variant.
Genome position (GRCh38, 1-based): chr1:25,812,768, G>T. VCF-style: chr1-25812768-G-T. GRCh37 (hg19) VCF-style: chr1-26139259-G-T.
Other names: c.1363G>T, p.Ala455Ser (NM_020451.3); short protein forms A455S, A421S.
Identifiers: ClinVar variation 942173 (VCV000942173.5), dbSNP rs374687219, ClinGen allele CA696838.